The following is an entry in ClinVar:

NM_020975.6(RET):c.2343G>A (p.Gln781=)

Gene: RET (ret proto-oncogene; plus strand). Cytogenetic location: 10q11.21.
Variant type: single nucleotide variant.
Coding change: c.2343G>A on transcript NM_020975.6 (MANE Select); coding-DNA position 2343, G replaced by A.
Protein change: p.Gln781=; no amino-acid change (glutamine 781 retained).
Molecular consequence: synonymous variant.
Genome position (GRCh38, 1-based): chr10:43,118,431, G>A. VCF-style: chr10-43118431-G-A. GRCh37 (hg19) VCF-style: chr10-43613879-G-A.
Other names: c.2343G>A, p.Gln781= (NM_000323.2, NM_001406743.1, NM_001406744.1 and 4 more transcripts); c.1581G>A, p.Gln527= (NM_001355216.2); c.2214G>A, p.Gln738= (NM_001406761.1, NM_001406762.1, NM_001406764.1); c.2208G>A, p.Gln736= (NM_001406763.1, NM_001406765.1); c.2055G>A, p.Gln685= (NM_001406766.1, NM_001406767.1, NM_001406770.1); c.2079G>A, p.Gln693= (NM_001406768.1); c.1947G>A, p.Gln649= (NM_001406769.1, NM_001406772.1); c.1905G>A, p.Gln635= (NM_001406771.1, NM_001406773.1); and 10 more.
Identifiers: ClinVar variation 821127 (VCV000821127.15), dbSNP rs1588876509, ClinGen allele CA469028160.

ClinVar aggregate classification (germline): Benign/Likely benign. Review status: criteria provided, multiple submitters, no conflicts (2 of 4 stars). 4 submissions from 4 submitters: Benign (1); Likely benign (3). Last evaluated 2025-11-15.

Conditions:
Hereditary cancer-predisposing syndrome. Also called: Neoplastic Syndromes, Hereditary; Tumor predisposition; Hereditary Cancer Syndrome; Hereditary neoplastic syndrome. Identifiers: Orphanet 140162, MedGen C0027672, MeSH D009386, MONDO:0015356.
Multiple endocrine neoplasia type 2A. Also called: MULTIPLE ENDOCRINE NEOPLASIA, TYPE IIA; PTC SYNDROME; SIPPLE SYNDROME; MEN 2A; MEN-2A syndrome; Pheochromocytoma and amyloid producing medullary thyroid carcinoma. Identifiers: Orphanet 247698, Orphanet 653, MedGen C0025268, MeSH D018813, MONDO:0008234, OMIM 171400.
Multiple endocrine neoplasia, type 2 (MEN2). Identifiers: Orphanet 653, MedGen C4048306, MONDO:0019003. Disease mechanism: gain of function.

Submissions (4):

Women's Health and Genetics/Laboratory Corporation of America, LabCorp
Classification: Likely benign. Last evaluated: 2025-11-15. Review status: criteria provided, single submitter. Criteria: LabCorp Variant Classification Summary - May 2015. Collection method: clinical testing. Allele origin: germline.

Myriad Genetics, Inc.
Classification: Benign for Multiple endocrine neoplasia type 2A. Last evaluated: 2025-02-26. Review status: criteria provided, single submitter. Criteria: Myriad Autosomal Dominant, Autosomal Recessive and X-Linked Classification Criteria (2023). Collection method: clinical testing. Allele origin: unknown.
Comment: This variant is considered benign. This variant is a silent/synonymous amino acid change and it is not expected to impact splicing.

Labcorp Genetics (formerly Invitae), Labcorp
Classification: Likely benign for Multiple endocrine neoplasia, type 2. Last evaluated: 2022-05-11. Review status: criteria provided, single submitter. Criteria: Invitae Variant Classification Sherloc (09022015). Collection method: clinical testing. Allele origin: germline.

Ambry Genetics
Classification: Likely benign for Hereditary cancer-predisposing syndrome. Last evaluated: 2019-10-17. Review status: criteria provided, single submitter. Criteria: Ambry Variant Classification Scheme 2023. Collection method: clinical testing. Allele origin: germline.